The following is an entry in ClinVar:

NM_001114753.3(ENG):c.259C>T (p.Gln87Ter)

Gene: ENG (endoglin; minus strand). Cytogenetic location: 9q34.11.
Variant type: single nucleotide variant.
Coding change: c.259C>T on transcript NM_001114753.3 (MANE Select); coding-DNA position 259, C replaced by T.
Protein change: p.Gln87Ter; replaces glutamine 87 with a stop codon.
Molecular consequence: nonsense. On other transcripts: 5 prime UTR variant (1).
Genome position (GRCh38, 1-based): chr9:127,829,788, G>A on the plus strand (C>T on the coding strand, the complement: ENG is on the minus strand). VCF-style: chr9-127829788-G-A. GRCh37 (hg19) VCF-style: chr9-130592067-G-A.
Other names: c.259C>T, p.Gln87Ter (NM_000118.4, NM_001406715.1); c.-288C>T (NM_001278138.2); short protein forms Q87*.
Identifiers: ClinVar variation 180348 (VCV000180348.6), dbSNP rs730880096, ClinGen allele CA346329.
Genomic context (GRCh38, chr9:127,829,788, plus strand): 5'-GGAAGACACTGCTGTTTACACTGAGGACCAGAAGCACCTCTCGGGGCCAGGTGCCATTTT[G>A]CTTGGATGCCTGGAGAGTCAGCTCCAGCTGTGACGGGCCCTGGGGGACACAGAGGAGAGA-3'

ClinVar aggregate classification (germline): Pathogenic. Review status: criteria provided, multiple submitters, no conflicts (2 of 4 stars). 2 submissions from 2 submitters: Pathogenic (2). Last evaluated 2024-05-22.

Conditions:
Hereditary hemorrhagic telangiectasia (HHT). Also called: Osler hemorrhagic telangiectasia syndrome; ORW DISEASE; Osler Weber Rendu syndrome; OSLER-RENDU-WEBER DISEASE. Identifiers: Orphanet 774, MedGen C0039445, MONDO:0019180. Disease mechanism: loss of function.
ENG-related disorder. Also called: ENG-related disorders; ENG-related condition.

Submissions (2):

Blueprint Genetics
Classification: Pathogenic for ENG-related disorders. Last evaluated: 2024-05-22. Review status: criteria provided, single submitter. Criteria: ACMG Guidelines, 2015. Collection method: clinical testing. Allele origin: germline. Affected: yes. Observed: 3 variant alleles.

Labcorp Genetics (formerly Invitae), Labcorp
Classification: Pathogenic for Hereditary hemorrhagic telangiectasia. Last evaluated: 2024-02-07. Review status: criteria provided, single submitter. Criteria: Invitae Variant Classification Sherloc (09022015). Collection method: clinical testing. Allele origin: germline.
Comment: This sequence change creates a premature translational stop signal (p.Gln87*) in the ENG gene. It is expected to result in an absent or disrupted protein product. Loss-of-function variants in ENG are known to be pathogenic (PMID: 15879500). This variant is not present in population databases (gnomAD no frequency). This premature translational stop signal has been observed in individual(s) with hereditary hemorrhagic telangiectasia (HHT) (PMID: 18607909). ClinVar contains an entry for this variant (Variation ID: 180348). For these reasons, this variant has been classified as Pathogenic.

Literature cited by the submitters: PubMed 15879500 (cited by Labcorp Genetics (formerly Invitae), Labcorp); PubMed 18607909 (cited by Labcorp Genetics (formerly Invitae), Labcorp).